The following is an entry in ClinVar:

NM_004963.4(GUCY2C):c.910T>C (p.Ser304Pro)

Genes: GUCY2C (guanylate cyclase 2C; minus strand), GUCY2C-AS1 (GUCY2C antisense RNA 1; plus strand). Cytogenetic location: 12p12.3.
Variant type: single nucleotide variant.
Coding change: c.910T>C on transcript NM_004963.4 (MANE Select); coding-DNA position 910, T replaced by C.
Protein change: p.Ser304Pro; replaces serine 304 with proline.
Molecular consequence: missense variant.
Genome position (GRCh38, 1-based): chr12:14,676,892, A>G on the plus strand (T>C on the coding strand, the complement: GUCY2C is on the minus strand). VCF-style: chr12-14676892-A-G. GRCh37 (hg19) VCF-style: chr12-14829826-A-G.
Other names: short protein forms S304P.
Identifiers: ClinVar variation 3654275 (VCV003654275.2).

ClinVar aggregate classification (germline): Uncertain significance (1 of 4 stars; one submission).

Submission:

Labcorp Genetics (formerly Invitae), Labcorp
Classification: Uncertain significance. Last evaluated: 2024-05-29. Review status: criteria provided, single submitter. Criteria: Invitae Variant Classification Sherloc (09022015). Collection method: clinical testing. Allele origin: germline.
Comment: This sequence change replaces serine, which is neutral and polar, with proline, which is neutral and non-polar, at codon 304 of the GUCY2C protein (p.Ser304Pro). This variant is not present in population databases (gnomAD no frequency). This variant has not been reported in the literature in individuals affected with GUCY2C-related conditions. Advanced modeling of protein sequence and biophysical properties (such as structural, functional, and spatial information, amino acid conservation, physicochemical variation, residue mobility, and thermodynamic stability) performed at Invitae indicates that this missense variant is not expected to disrupt GUCY2C protein function with a negative predictive value of 80%. In summary, the available evidence is currently insufficient to determine the role of this variant in disease. Therefore, it has been classified as a Variant of Uncertain Significance.